The following is an entry in ClinVar:

NM_152443.3(RDH12):c.473T>C (p.Leu158Pro)

Genes: GPHN (gephyrin; plus strand), RDH12 (retinol dehydrogenase 12; plus strand). Cytogenetic location: 14q24.1.
Variant type: single nucleotide variant.
Coding change: c.473T>C on transcript NM_152443.3 (MANE Select); coding-DNA position 473, T replaced by C.
Protein change: p.Leu158Pro; replaces leucine 158 with proline.
Molecular consequence: missense variant.
Genome position (GRCh38, 1-based): chr14:67,727,005, T>C. VCF-style: chr14-67727005-T-C. GRCh37 (hg19) VCF-style: chr14-68193722-T-C.
Other names: p.Leu158Pro; short protein forms L158P.
Identifiers: ClinVar variation 4849648 (VCV004849648.1).

ClinVar aggregate classification (germline): Likely pathogenic (1 of 4 stars; one submission).

Conditions:
Retinitis pigmentosa, juvenile. Identifiers: MedGen CN260077.

Submission:

Medical Molecular Genetics Department, National Research Center
Classification: Likely pathogenic for Retinitis pigmentosa, juvenile. Last evaluated: 2026-03-01. Review status: criteria provided, single submitter. Criteria: ACMG Guidelines, 2015. Collection method: research. Allele origin: germline. Affected: yes. Observed: 2 variant alleles.
Comment: RDH12 c.473T>C (p.Leu158Pro): Absent from gnomAD. Novel missense in catalytic SDR domain. Homozygous segregation in RP patients. CADD=26.8, REVEL=0.88. PremPS delta G=-3.66 kcal/mol. Classified Likely pathogenic (PM1,PM2,PP2,PP3)